The following is an entry in ClinVar:

ClinVar aggregate classification (germline): Uncertain significance (1 of 4 stars; one submission).

Conditions:
Hereditary cancer-predisposing syndrome. Also called: Neoplastic Syndromes, Hereditary; Tumor predisposition; Hereditary Cancer Syndrome; Hereditary neoplastic syndrome. Identifiers: Orphanet 140162, MedGen C0027672, MeSH D009386, MONDO:0015356.

Submission:

Ambry Genetics
Classification: Uncertain significance for Hereditary cancer-predisposing syndrome. Last evaluated: 2026-04-25. Review status: criteria provided, single submitter. Criteria: Ambry Variant Classification Scheme 2023. Collection method: clinical testing. Allele origin: germline.
Comment: The p.T1641S variant (also known as c.4922C>G), located in coding exon 37 of the POLE gene, results from a C to G substitution at nucleotide position 4922. The threonine at codon 1641 is replaced by serine, an amino acid with similar properties. This amino acid position is conserved. In addition, this alteration is predicted to be tolerated by in silico analysis. Based on the available evidence, the clinical significance of this variant remains unclear.

NM_006231.4(POLE):c.4922C>G (p.Thr1641Ser)

Gene: POLE (DNA polymerase epsilon, catalytic subunit; minus strand). Cytogenetic location: 12q24.33.
Variant type: single nucleotide variant.
Coding change: c.4922C>G on transcript NM_006231.4 (MANE Select); coding-DNA position 4922, C replaced by G.
Protein change: p.Thr1641Ser; replaces threonine 1641 with serine.
Molecular consequence: missense variant.
Genome position (GRCh38, 1-based): chr12:132,642,536, G>C on the plus strand (C>G on the coding strand, the complement: POLE is on the minus strand). VCF-style: chr12-132642536-G-C. GRCh37 (hg19) VCF-style: chr12-133219122-G-C.
Other names: short protein forms T1641S.
Identifiers: ClinVar variation 4862214 (VCV004862214.1).